The following is an entry in ClinVar:

NM_000548.5(TSC2):c.1013T>G (p.Ile338Ser)

Gene: TSC2 (TSC complex subunit 2; plus strand). Cytogenetic location: 16p13.3.
Variant type: single nucleotide variant.
Coding change: c.1013T>G on transcript NM_000548.5 (MANE Select); coding-DNA position 1013, T replaced by G.
Protein change: p.Ile338Ser; replaces isoleucine 338 with serine.
Molecular consequence: missense variant.
Genome position (GRCh38, 1-based): chr16:2,060,707, T>G. VCF-style: chr16-2060707-T-G. GRCh37 (hg19) VCF-style: chr16-2110708-T-G.
Other names: c.1013T>G, p.Ile338Ser (NM_001077183.3, NM_001114382.3, NM_021055.3 and 6 more transcripts); c.902T>G, p.Ile301Ser (NM_001318827.2, NM_001406678.1, NM_001406670.1); c.866T>G, p.Ile289Ser (NM_001318829.2, NM_001406675.1, NM_001406676.1 and 1 more transcripts); c.413T>G, p.Ile138Ser (NM_001318831.2, NM_001406680.1, NM_001406682.1 and 6 more transcripts); c.1001T>G, p.Ile334Ser (NM_001406671.1, NM_001406673.1); c.956T>G, p.Ile319Ser (NM_001406677.1); c.551T>G, p.Ile184Ser (NM_001406681.1); c.-419T>G (NM_001406689.1, NM_001406690.1, NM_001406691.1 and 4 more transcripts); and 4 more; short protein forms I138S, I334S, I184S, I319S, I338S, I289S, I349S, I368S.
Identifiers: ClinVar variation 1737354 (VCV001737354.2), dbSNP rs2151135695, ClinGen allele CA394317495.

ClinVar aggregate classification (germline): Uncertain significance (1 of 4 stars; one submission).

Conditions:
Hereditary cancer-predisposing syndrome. Also called: Neoplastic Syndromes, Hereditary; Tumor predisposition; Hereditary Cancer Syndrome; Hereditary neoplastic syndrome. Identifiers: Orphanet 140162, MedGen C0027672, MeSH D009386, MONDO:0015356.

Submission:

Ambry Genetics
Classification: Uncertain significance for Hereditary cancer-predisposing syndrome. Last evaluated: 2022-07-21. Review status: criteria provided, single submitter. Criteria: Ambry Variant Classification Scheme 2023. Collection method: clinical testing. Allele origin: germline.
Comment: The p.I338S variant (also known as c.1013T>G), located in coding exon 10 of the TSC2 gene, results from a T to G substitution at nucleotide position 1013. The isoleucine at codon 338 is replaced by serine, an amino acid with dissimilar properties. This amino acid position is conserved. In addition, this alteration is predicted to be deleterious by in silico analysis. Since supporting evidence is limited at this time, the clinical significance of this alteration remains unclear.